The following is an entry in ClinVar:

NM_000465.4(BARD1):c.1903+5_1903+6insGCTGGATTCTAAAATTTGAATGTAAGG

Gene: BARD1 (BRCA1 associated RING domain 1; minus strand). Cytogenetic location: 2q35.
Variant type: Insertion.
Coding change: c.1903+5_1903+6insGCTGGATTCTAAAATTTGAATGTAAGG on transcript NM_000465.4 (MANE Select); bases 5 to 6 of the intron after coding-DNA position 1903, GCTGGATTCTAAAATTTGAATGTAAGG inserted.
Molecular consequence: splice donor variant. On other transcripts: intron variant (1).
Genome position: GRCh38 VCF-style: chr2-214745061-A-ACTTACATTCAAATTTTAGAATCCAGCC. GRCh37 (hg19) VCF-style: chr2-215609785-A-ACTTACATTCAAATTTTAGAATCCAGCC.
Other names: c.493+5_493+6insGCTGGATTCTAAAATTTGAATGTAAGG (NM_001282548.2); c.1846+5_1846+6insGCTGGATTCTAAAATTTGAATGTAAGG (NM_001282543.2); c.550+5_550+6insGCTGGATTCTAAAATTTGAATGTAAGG (NM_001282545.2); c.365-14554_365-14553insGCTGGATTCTAAAATTTGAATGTAAGG (NM_001282549.2); c.1903+5_1903+6insGCTGGATTCTAAAATTTGAATGTAAGG (LRG_297t1); c.1903+5_1903+6insGGCTGGATTCTAAAATTTGAATGTAAG (NM_000465.4).
Identifiers: ClinVar variation 419932 (VCV000419932.3), dbSNP rs771546006, ClinGen allele CA2090143.
Genomic context (GRCh38, chr2:214,745,061, plus strand): 5'-ATTAATAACCATGAAAAACAAAACTAGTCTAATTCATTTCTTAATTCTCTCAAATCCAAC[A>ACTTACATTCAAATTTTAGAATCCAGCC]CTTACATTCAAATTTTAGAATCCAGCATCCATTGAGAATCCCAAGCATACACTTCAAGGT-3'

ClinVar aggregate classification (germline): Uncertain significance. Review status: criteria provided, multiple submitters, no conflicts (2 of 4 stars). 2 submissions from 2 submitters: Uncertain significance (2). Last evaluated 2022-11-21.

Conditions:
Hereditary cancer-predisposing syndrome. Also called: Hereditary neoplastic syndrome; Tumor predisposition; Neoplastic Syndromes, Hereditary; Hereditary Cancer Syndrome. Identifiers: Orphanet 140162, MedGen C0027672, MeSH D009386, MONDO:0015356.

Submissions (2):

Color Diagnostics, LLC DBA Color Health
Classification: Uncertain significance for Hereditary cancer-predisposing syndrome. Last evaluated: 2022-11-21. Review status: criteria provided, single submitter. Criteria: ACMG Guidelines, 2015. Collection method: clinical testing. Allele origin: germline.
Comment: This variant causes an insertion of 27 nucleotides in intron 9 splice donor site of the BARD1 gene. To our knowledge, functional studies have not been reported for this variant. This variant has not been reported in individuals affected with BARD1-related disorders in the literature. This variant has been identified in 1/250958 chromosomes in the general population by the Genome Aggregation Database (gnomAD). The available evidence is insufficient to determine the role of this variant in disease conclusively. Therefore, this variant is classified as a Variant of Uncertain Significance.

GeneDx
Classification: Uncertain significance. Last evaluated: 2017-05-15. Review status: criteria provided, single submitter. Criteria: GeneDx Variant Classification (06012015). Collection method: clinical testing. Allele origin: germline. Affected: yes.
Comment: Not observed in large population cohorts (Lek 2016) Has not been previously published as pathogenic or benign to our knowledge In-silico analysis, which includes splice predictors and evolutionary conservation, is inconclusive as to whether the variant alters gene splicing. In the absence of RNA/functional studies, the actual effect of this sequence change is unknown.